The following is an entry in ClinVar:

ClinVar aggregate classification (germline): Uncertain significance. Review status: criteria provided, multiple submitters, no conflicts (2 of 4 stars). 4 submissions from 4 submitters: Uncertain significance (4). Last evaluated 2025-10-01.

Conditions:
TTN-related disorder. Also called: TTN-related disorders; TTN-related condition; TTN-related disease.
Autosomal recessive limb-girdle muscular dystrophy type 2J (LGMDR10). Also called: Limb-girdle muscular dystrophy, type 2J; MUSCULAR DYSTROPHY, LIMB-GIRDLE, AUTOSOMAL RECESSIVE 10. Identifiers: Orphanet 140922, MedGen C1837342, MONDO:0012127, OMIM 608807.
Dilated cardiomyopathy 1G (CMD1G). Identifiers: Orphanet 154, MedGen C1858763, MONDO:0011400, OMIM 604145.

Allele frequency attached by ClinVar (database versions not stated): gnomAD exomes 0.00002; ExAC 0.00003; TOPMed 0.00009.
gnomAD v4.1: 11 of 1,613,018 alleles (0.00068%); highest among the groups gnomAD compares: Admixed American, 0.018%; no homozygotes.

Submissions (4):

PreventionGenetics, part of Exact Sciences
Classification: Uncertain significance for TTN-related condition. Last evaluated: 2025-10-01. Review status: criteria provided, single submitter. Criteria: ACMG Guidelines, 2015. Collection method: clinical testing. Allele origin: germline.
Comment: The TTN c.59827G>A variant is predicted to result in the amino acid substitution p.Glu19943Lys. To our knowledge, this variant has not been reported in the literature. This variant is reported in 0.017% of alleles in individuals of Latino descent in gnomAD. At this time, the clinical significance of this variant is uncertain due to the absence of conclusive functional and genetic evidence.

Women's Health and Genetics/Laboratory Corporation of America, LabCorp
Classification: Uncertain significance. Last evaluated: 2023-08-19. Review status: criteria provided, single submitter. Criteria: LabCorp Variant Classification Summary - May 2015. Collection method: clinical testing. Allele origin: germline.

Revvity Omics, Revvity
Classification: Uncertain significance. Last evaluated: 2020-03-23. Review status: criteria provided, single submitter. Criteria: ACMG Guidelines, 2015. Collection method: clinical testing. Allele origin: germline.

Labcorp Genetics (formerly Invitae), Labcorp
Classification: Uncertain significance for Dilated cardiomyopathy 1G; Autosomal recessive limb-girdle muscular dystrophy type 2J. Last evaluated: 2017-11-21. Review status: criteria provided, single submitter. Criteria: Invitae Variant Classification Sherloc (09022015). Collection method: clinical testing. Allele origin: germline.

NM_001267550.2(TTN):c.59827G>A (p.Glu19943Lys)

Genes: TTN (titin; minus strand), TTN-AS1 (TTN antisense RNA 1; plus strand), LOC126806424 (CDK7 strongly-dependent group 2 enhancer GRCh37_chr2:179456337-179457536; plus strand). Cytogenetic location: 2q31.2.
Variant type: single nucleotide variant.
Coding change: c.59827G>A on transcript NM_001267550.2 (MANE Select); coding-DNA position 59827, G replaced by A.
Protein change: p.Glu19943Lys; replaces glutamic acid 19943 with lysine.
Molecular consequence: missense variant.
Genome position (GRCh38, 1-based): chr2:178,592,077, C>T on the plus strand (G>A on the coding strand, the complement: TTN is on the minus strand). VCF-style: chr2-178592077-C-T. GRCh37 (hg19) VCF-style: chr2-179456804-C-T.
Other names: c.54904G>A, p.Glu18302Lys (NM_001256850.1); c.32632G>A, p.Glu10878Lys (NM_003319.4); c.52123G>A, p.Glu17375Lys (NM_133378.4); c.33007G>A, p.Glu11003Lys (NM_133432.3); c.33208G>A, p.Glu11070Lys (NM_133437.4); short protein forms E19943K, E11070K, E17375K, E11003K, E10878K, E18302K.
Identifiers: ClinVar variation 404879 (VCV000404879.8), dbSNP rs751863629, ClinGen allele CA1992601.